The following is an entry in ClinVar:

NM_020442.6(VARS2):c.1381G>T (p.Val461Leu)

Gene: VARS2 (valyl-tRNA synthetase 2, mitochondrial; plus strand). Cytogenetic location: 6p21.33.
Variant type: single nucleotide variant.
Coding change: c.1381G>T on transcript NM_020442.6 (MANE Select); coding-DNA position 1381, G replaced by T.
Protein change: p.Val461Leu; replaces valine 461 with leucine.
Molecular consequence: missense variant.
Genome position (GRCh38, 1-based): chr6:30,920,420, G>T. VCF-style: chr6-30920420-G-T. GRCh37 (hg19) VCF-style: chr6-30888197-G-T.
Other names: c.961G>T, p.Val321Leu (NM_001167733.3); c.1471G>T, p.Val491Leu (NM_001167734.2); short protein forms V321L, V461L, V491L.
Identifiers: ClinVar variation 3366283 (VCV003366283.1).
Genomic context (GRCh38, chr6:30,920,420, plus strand): 5'-AAGATAATGTCTGTGCTGAGTGAATGGGGCCTGTTCCGGGGCCTCCAGAACCACCCCATG[G>T]TACTGCCCATCTGCAGGTAACCTCATTTTAACTCCTTTACTAAGGGCTACCCCAAAAGGG-3'
Protein context (NP_065175.4, residues 451-471): LFRGLQNHPM[Val461Leu]LPICSRSGDV

ClinVar aggregate classification (germline): Uncertain significance (1 of 4 stars; one submission).

gnomAD v4.1: 1 of 1,608,308 alleles (0.000062%); highest among the groups gnomAD compares: African/African-American, 0.0013%; no homozygotes.

Submission:

GeneDx
Classification: Uncertain significance. Last evaluated: 2023-10-25. Review status: criteria provided, single submitter. Criteria: GeneDx Variant Classification Process June 2021. Collection method: clinical testing. Allele origin: germline. Affected: yes.
Comment: Not observed at significant frequency in large population cohorts (gnomAD); In silico analysis supports that this missense variant does not alter protein structure/function; Has not been previously published as pathogenic or benign to our knowledge